The following is an entry in ClinVar:

NM_006017.3(PROM1):c.303+1G>T

Gene: PROM1 (prominin 1; minus strand). Cytogenetic location: 4p15.32.
Variant type: single nucleotide variant.
Coding change: c.303+1G>T on transcript NM_006017.3 (MANE Select); the canonical splice donor site of the intron after coding-DNA position 303, G replaced by T.
Molecular consequence: splice donor variant. On other transcripts: intron variant (7).
Genome position (GRCh38, 1-based): chr4:16,035,734, C>A on the plus strand (G>T on the coding strand, the complement: PROM1 is on the minus strand). VCF-style: chr4-16035734-C-A. GRCh37 (hg19) VCF-style: chr4-16037357-C-A.
Other names: c.277-2225G>T (NM_001145848.2, NM_001145852.2, NM_001145847.2 and 4 more transcripts); c.303+1G>T (NM_001145850.2, NM_001145849.2).
Identifiers: ClinVar variation 954294 (VCV000954294.10), dbSNP rs777673930, ClinGen allele CA356428507.

ClinVar aggregate classification (germline): Pathogenic. Review status: criteria provided, multiple submitters, no conflicts (2 of 4 stars). 3 submissions from 3 submitters: Pathogenic (3). Last evaluated 2026-01-13.

Conditions:
PROM1-related disorder. Also called: PROM1-related disorders; PROM1-related condition.

Allele frequency attached by ClinVar (database versions not stated): TOPMed below 0.00001; gnomAD 0.00001.
gnomAD v4.1: 23 of 1,612,954 alleles (0.0014%); highest among the groups gnomAD compares: Non-Finnish European, 0.0018%; no homozygotes.

Submissions (3):

3billion
Classification: Pathogenic for PROM1-related disorder. Last evaluated: 2026-01-13. Review status: criteria provided, single submitter. Criteria: ACMG Guidelines, 2015. Collection method: clinical testing. Allele origin: germline. Affected: yes.
Comment: The variant is observed at an extremely low frequency in the gnomAD v4.1.0 dataset (total allele frequency: 0.001%). Predicted Consequence/Location: Canonical splice site: predicted to alter splicing and result in a loss or disruption of normal protein function. Multiple pathogenic loss-of-function variants are reported downstream of the variant. In silico tools predict the variant to alter splicing and produce an abnormal transcript [SpliceAI: 0.63 (spliceogenicity >=0.2, non-spliceogenicity <0.1)]. The variant has been reported to be associated with PROM1-related disorder (ClinVar ID: VCV000954294). Therefore, this variant is classified as Pathogenic according to the recommendation of ACMG/AMP guideline.

PreventionGenetics, part of Exact Sciences
Classification: Pathogenic for PROM1-related condition. Last evaluated: 2025-07-22. Review status: criteria provided, single submitter. Criteria: ACMG Guidelines, 2015. Collection method: clinical testing. Allele origin: germline.
Comment: The PROM1 c.303+1G>T variant is predicted to disrupt the GT donor site and interfere with normal splicing. To our knowledge, this variant has not been reported in the literature or in a large population database (gnomAD), indicating this variant is rare; however, a different variant affecting this same nucleotide (c.303+1G>A) has been reported in multiple individuals with autosomal dominant macular dystrophy (Del Pozo-Valero et al. 2019. PubMed ID: 31129250; Wolock et al. 2019. PubMed ID: 30926958). Variants that disrupt the consensus splice donor site in PROM1 are expected to be pathogenic. Given all the evidence, we interpret c.303+1G>T as pathogenic.

Labcorp Genetics (formerly Invitae), Labcorp
Classification: Pathogenic. Last evaluated: 2024-12-26. Review status: criteria provided, single submitter. Criteria: Invitae Variant Classification Sherloc (09022015). Collection method: clinical testing. Allele origin: germline.
Comment: This sequence change affects a donor splice site in intron 3 of the PROM1 gene. It is expected to disrupt RNA splicing. Variants that disrupt the donor or acceptor splice site typically lead to a loss of protein function (PMID: 16199547), and loss-of-function variants in PROM1 are known to be pathogenic (PMID: 17605048, 19718270, 24154662, 25474345). This variant is not present in population databases (gnomAD no frequency). Disruption of this splice site has been observed in individuals with clinical features of autosomal recessive retinitis pigmentosa (PMID: 31129250; internal data). This variant has been reported in individual(s) with autosomal dominant macular dystrophy (PMID: 31129250); however, the role of the variant in this condition is currently unclear. ClinVar contains an entry for this variant (Variation ID: 954294). Algorithms developed to predict the effect of sequence changes on RNA splicing suggest that this variant may disrupt the consensus splice site. For these reasons, this variant has been classified as Pathogenic.

Literature cited by the submitters: PubMed 16199547 (cited by Labcorp Genetics (formerly Invitae), Labcorp); PubMed 17605048 (cited by Labcorp Genetics (formerly Invitae), Labcorp); PubMed 19718270 (cited by Labcorp Genetics (formerly Invitae), Labcorp); PubMed 24154662 (cited by Labcorp Genetics (formerly Invitae), Labcorp); PubMed 25474345 (cited by Labcorp Genetics (formerly Invitae), Labcorp); PubMed 31129250 (cited by Labcorp Genetics (formerly Invitae), Labcorp).